The following is an entry in ClinVar:

ClinVar aggregate classification (germline): Pathogenic (1 of 4 stars; one submission).

Conditions:
Variegate porphyria (VP). Also called: PORPHYRIA, SOUTH AFRICAN TYPE; PROTOPORPHYRINOGEN OXIDASE DEFICIENCY; PPOX DEFICIENCY. Identifiers: Orphanet 79473, MedGen C0162532, MONDO:0008297, OMIM 176200.

gnomAD v4.1: 1 of 1,614,198 alleles (0.000062%); highest among the groups gnomAD compares: Non-Finnish European, 0.000085%; no homozygotes.

Submission:

Variantyx, Inc.
Classification: Pathogenic for Variegate porphyria. Last evaluated: 2025-07-11. Review status: criteria provided, single submitter. Criteria: Variantyx Assertion Criteria 2022. Collection method: clinical testing. Allele origin: germline. Inheritance: Autosomal dominant inheritance.
Comment: This is a nonsense variant in the PPOX gene (OMIM: 600923). Pathogenic variants in this gene have been associated with autosomal dominant porphyria variegata. This variant introduces a premature termination codon in exon 3 out of 13 and is expected to result in loss of function, which is a known disease mechanism for PPOX in this disorder (PMID: 23430901, 23324528, 30385147) (PVS1). It has been reported in the heterozygous state in at least one unrelated affected individual (PMID: 30385147) and it has a 0.0001% maximum allele frequency in non-founder control populations (PM2_Supporting). Based on the current evidence, this variant is classified as likely pathogenic for autosomal dominant porphyria variegata.

Literature cited by the submitters: PubMed 23430901; PubMed 23324528; PubMed 30385147.

NM_001122764.3(PPOX):c.125G>A (p.Trp42Ter)

Gene: PPOX (protoporphyrinogen oxidase; plus strand). Cytogenetic location: 1q23.3.
Variant type: single nucleotide variant.
Coding change: c.125G>A on transcript NM_001122764.3 (MANE Select); coding-DNA position 125, G replaced by A.
Protein change: p.Trp42Ter; replaces tryptophan 42 with a stop codon.
Molecular consequence: nonsense. On other transcripts: 5 prime UTR variant (5).
Genome position (GRCh38, 1-based): chr1:161,167,137, G>A. VCF-style: chr1-161167137-G-A. GRCh37 (hg19) VCF-style: chr1-161136927-G-A.
Other names: c.125G>A, p.Trp42Ter (NM_000309.5, NM_001350128.2, NM_001365398.1 and 1 more transcripts); c.-303G>A (NM_001350129.2); c.-394G>A (NM_001350130.2); c.-280G>A (NM_001350131.2); c.-187G>A (NM_001365400.1); c.-246G>A (NM_001365401.1); short protein forms W42*.
Identifiers: ClinVar variation 4852202 (VCV004852202.1).